The following is an entry in ClinVar:

NM_016507.4(CDK12):c.1612C>T (p.Pro538Ser)

Gene: CDK12 (cyclin dependent kinase 12; plus strand). Cytogenetic location: 17q12.
Variant type: single nucleotide variant.
Coding change: c.1612C>T on transcript NM_016507.4 (MANE Select); coding-DNA position 1612, C replaced by T.
Protein change: p.Pro538Ser; replaces proline 538 with serine.
Molecular consequence: missense variant.
Genome position (GRCh38, 1-based): chr17:39,471,444, C>T. VCF-style: chr17-39471444-C-T. GRCh37 (hg19) VCF-style: chr17-37627697-C-T.
Other names: c.1612C>T, p.Pro538Ser (NM_015083.4); short protein forms P538S.
Identifiers: ClinVar variation 5034129 (VCV005034129.1).

ClinVar aggregate classification (germline): Uncertain significance (1 of 4 stars; one submission).

Submission:

Ambry Genetics
Classification: Uncertain significance. Last evaluated: 2026-08-02. Review status: criteria provided, single submitter. Criteria: Ambry Variant Classification Scheme 2023. Collection method: clinical testing. Allele origin: germline.
Comment: The p.P538S variant (also known as c.1612C>T), located in coding exon 2 of the CDK12 gene, results from a C to T substitution at nucleotide position 1612. The proline at codon 538 is replaced by serine, an amino acid with similar properties. This amino acid position is conserved. In addition, this alteration is predicted to be tolerated by in silico analysis. Based on the available evidence, the clinical significance of this variant remains unclear.